The following is an entry in ClinVar:

NM_000089.4(COL1A2):c.4052G>A (p.Gly1351Asp)

Gene: COL1A2 (collagen type I alpha 2 chain; plus strand). Cytogenetic location: 7q21.3.
Variant type: single nucleotide variant.
Coding change: c.4052G>A on transcript NM_000089.4 (MANE Select); coding-DNA position 4052, G replaced by A.
Protein change: p.Gly1351Asp; replaces glycine 1351 with aspartic acid.
Molecular consequence: missense variant.
Genome position (GRCh38, 1-based): chr7:94,430,344, G>A. VCF-style: chr7-94430344-G-A. GRCh37 (hg19) VCF-style: chr7-94059656-G-A.
Other names: short protein forms G1351D.
Identifiers: ClinVar variation 1053944 (VCV001053944.15), dbSNP rs372535479, ClinGen allele CA4347912.
Genomic context (GRCh38, chr7:94,430,344, plus strand): 5'-ACAAAACAAATAAGCCATCACGCCTGCCCTTCCTTGATATTGCACCTTTGGACATCGGTG[G>A]TGCTGACCAGGAATTCTTTGTGGACATTGGCCCAGTCTGTTTCAAATAAATGAACTCAAT-3'
Protein context (NP_000080.2, residues 1341-1361): FLDIAPLDIG[Gly1351Asp]ADQEFFVDIG

ClinVar aggregate classification (germline): Uncertain significance. Review status: criteria provided, multiple submitters, no conflicts (2 of 4 stars). 3 submissions from 3 submitters: Uncertain significance (3). Last evaluated 2025-12-04.

Conditions:
Osteogenesis imperfecta type I (OI1). Also called: OI, TYPE I; OSTEOGENESIS IMPERFECTA TARDA; OSTEOGENESIS IMPERFECTA WITH BLUE SCLERAE; Osteogenesis imperfecta type 1; Classic Non-deforming Osteogenesis Imperfecta with Blue Sclerae; Lobstein's Disease. Identifiers: Orphanet 216796, Orphanet 666, MedGen C0023931, MONDO:0008146, OMIM 166200. Disease mechanism: loss of function.
Ehlers-Danlos syndrome, classic type, 1 (EDSCL1). Also called: EHLERS-DANLOS SYNDROME, GRAVIS TYPE; EHLERS-DANLOS SYNDROME, SEVERE CLASSIC TYPE; EDS I; Ehlers-Danlos Syndrome, Classic Type, COL5A1-Related; Ehlers-Danlos syndrome, type 1. Identifiers: MedGen C0268335, MONDO:0019567, OMIM 130000.
Cardiovascular phenotype. Identifiers: MedGen CN230736.

Allele frequency attached by ClinVar (database versions not stated): gnomAD 0.00003 and 0.00001; gnomAD exomes 0.00003 and 0.00002; TOPMed 0.00004; ESP Exome Variant Server 0.00008; ExAC 0.00001.
gnomAD v4.1: 49 of 1,613,908 alleles (0.003%); highest among the groups gnomAD compares: Non-Finnish European, 0.0039%; no homozygotes.

Submissions (3):

Ambry Genetics
Classification: Uncertain significance for Cardiovascular phenotype. Last evaluated: 2025-12-04. Review status: criteria provided, single submitter. Criteria: Ambry Variant Classification Scheme 2023. Collection method: clinical testing. Allele origin: germline.
Comment: The p.G1351D variant (also known as c.4052G>A), located in coding exon 52 of the COL1A2 gene, results from a G to A substitution at nucleotide position 4052. The glycine at codon 1351 is replaced by aspartic acid, an amino acid with similar properties. This amino acid position is conserved. In addition, this alteration is predicted to be tolerated by in silico analysis. Based on the available evidence, the clinical significance of this variant remains unclear.

Labcorp Genetics (formerly Invitae), Labcorp
Classification: Uncertain significance for Osteogenesis imperfecta type I; Ehlers-Danlos syndrome, classic type, 1. Last evaluated: 2025-08-23. Review status: criteria provided, single submitter. Criteria: Invitae Variant Classification Sherloc (09022015). Collection method: clinical testing. Allele origin: germline.
Comment: This sequence change replaces glycine, which is neutral and non-polar, with aspartic acid, which is acidic and polar, at codon 1351 of the COL1A2 protein (p.Gly1351Asp). This variant is present in population databases (rs372535479, gnomAD 0.003%). This variant has not been reported in the literature in individuals affected with COL1A2-related conditions. ClinVar contains an entry for this variant (Variation ID: 1053944). Invitae Evidence Modeling of protein sequence and biophysical properties (such as structural, functional, and spatial information, amino acid conservation, physicochemical variation, residue mobility, and thermodynamic stability) indicates that this missense variant is not expected to disrupt COL1A2 protein function with a negative predictive value of 95%. In summary, the available evidence is currently insufficient to determine the role of this variant in disease. Therefore, it has been classified as a Variant of Uncertain Significance.

GeneDx
Classification: Uncertain significance. Last evaluated: 2024-04-01. Review status: criteria provided, single submitter. Criteria: GeneDx Variant Classification Process June 2021. Collection method: clinical testing. Allele origin: germline. Affected: yes.
Comment: Has not been previously published as pathogenic or benign to our knowledge; Not observed at significant frequency in large population cohorts (gnomAD); Not located in the triple helical region, where the majority of pathogenic missense variants occur (HGMD); In silico analysis supports that this missense variant has a deleterious effect on protein structure/function